The following is an entry in ClinVar:

ClinVar aggregate classification (germline): Uncertain significance (1 of 4 stars; one submission).

gnomAD v4.1: 3 of 1,613,034 alleles (0.00019%); highest among the groups gnomAD compares: Non-Finnish European, 0.00025%; no homozygotes.

Submission:

Ambry Genetics
Classification: Uncertain significance. Last evaluated: 2024-05-07. Review status: criteria provided, single submitter. Criteria: Ambry Variant Classification Scheme 2023. Collection method: clinical testing. Allele origin: germline.
Comment: The p.P965A variant (also known as c.2893C>G), located in coding exon 14 of the NPAT gene, results from a C to G substitution at nucleotide position 2893. The proline at codon 965 is replaced by alanine, an amino acid with highly similar properties. This amino acid position is conserved. In addition, this alteration is predicted to be tolerated by in silico analysis. Based on the available evidence, the clinical significance of this variant remains unclear.

NM_002519.3(NPAT):c.2893C>G (p.Pro965Ala)

Gene: NPAT (nuclear protein, coactivator of histone transcription; minus strand). Cytogenetic location: 11q22.3.
Variant type: single nucleotide variant.
Coding change: c.2893C>G on transcript NM_002519.3 (MANE Select); coding-DNA position 2893, C replaced by G.
Protein change: p.Pro965Ala; replaces proline 965 with alanine.
Molecular consequence: missense variant.
Genome position (GRCh38, 1-based): chr11:108,169,936, G>C on the plus strand (C>G on the coding strand, the complement: NPAT is on the minus strand). VCF-style: chr11-108169936-G-C. GRCh37 (hg19) VCF-style: chr11-108040663-G-C.
Other names: c.2893C>G, p.Pro965Ala (NM_001321307.1); short protein forms P965A.
Identifiers: ClinVar variation 3300689 (VCV003300689.1).